The following is an entry in ClinVar:

NM_003072.5(SMARCA4):c.508A>C (p.Thr170Pro)

Gene: SMARCA4 (SWI/SNF related BAF chromatin remodeling complex subunit ATPase 4; plus strand). Cytogenetic location: 19p13.2.
Variant type: single nucleotide variant.
Coding change: c.508A>C on transcript NM_003072.5 (MANE Select); coding-DNA position 508, A replaced by C.
Protein change: p.Thr170Pro; replaces threonine 170 with proline.
Molecular consequence: missense variant. On other transcripts: non-coding transcript variant (1).
Genome position (GRCh38, 1-based): chr19:10,986,341, A>C. VCF-style: chr19-10986341-A-C. GRCh37 (hg19) VCF-style: chr19-11097017-A-C.
Other names: c.508A>C, p.Thr170Pro (NM_001128844.3, NM_001128845.2, NM_001128846.2 and 5 more transcripts); short protein forms T170P.
Identifiers: ClinVar variation 1034590 (VCV001034590.8), dbSNP rs773273784, ClinGen allele CA404056187.

ClinVar aggregate classification (germline): Uncertain significance (1 of 4 stars; one submission).

Conditions:
Rhabdoid tumor predisposition syndrome 2 (RTPS2). Identifiers: Orphanet 231108, Orphanet 69077, MedGen C2750074, MONDO:0013224, OMIM 613325.

Submission:

Labcorp Genetics (formerly Invitae), Labcorp
Classification: Uncertain significance for Rhabdoid tumor predisposition syndrome 2. Last evaluated: 2020-06-25. Review status: criteria provided, single submitter. Criteria: Invitae Variant Classification Sherloc (09022015). Collection method: clinical testing. Allele origin: germline.
Comment: This variant is not present in population databases (ExAC no frequency). This sequence change replaces threonine with proline at codon 170 of the SMARCA4 protein (p.Thr170Pro). The threonine residue is highly conserved and there is a small physicochemical difference between threonine and proline. This variant has not been reported in the literature in individuals with SMARCA4-related conditions. In summary, the available evidence is currently insufficient to determine the role of this variant in disease. Therefore, it has been classified as a Variant of Uncertain Significance. Algorithms developed to predict the effect of missense changes on protein structure and function (SIFT, PolyPhen-2, Align-GVGD) all suggest that this variant is likely to be disruptive, but these predictions have not been confirmed by published functional studies and their clinical significance is uncertain.